The following is an entry in ClinVar:

NM_002971.6(SATB1):c.1237dup (p.Glu413fs)

Gene: SATB1 (SATB homeobox 1; minus strand). Cytogenetic location: 3p24.3.
Variant type: Duplication.
Coding change: c.1237dup on transcript NM_002971.6 (MANE Select); coding-DNA position 1237, one base duplicated (G; older notation c.1237dupG).
Protein change: p.Glu413fs; shifts the reading frame from glutamic acid 413.
Molecular consequence: frameshift variant.
Genome position (GRCh38, 1-based): chr3:18,386,581, C duplicated on the plus strand (G on the coding strand, the reverse complement: SATB1 is on the minus strand). VCF-style (leftmost placement, unchanged base first): chr3-18386580-T-TC. GRCh37 (hg19) VCF-style: chr3-18428072-T-TC.
Other names: c.1237dup, p.Glu413fs (NM_001131010.4, NM_001195470.3, NM_001322871.2 and 4 more transcripts); c.1021dup, p.Glu341fs (NM_001322876.2); short protein forms E341fs, E413fs.
Identifiers: ClinVar variation 3316201 (VCV003316201.1).

ClinVar aggregate classification (germline): Pathogenic (1 of 4 stars; one submission).

Conditions:
Inborn genetic diseases. Identifiers: MedGen C0950123, MeSH D030342.

Submission:

Ambry Genetics
Classification: Pathogenic for Inborn genetic diseases. Last evaluated: 2024-03-28. Review status: criteria provided, single submitter. Criteria: Ambry Variant Classification Scheme 2023. Collection method: clinical testing. Allele origin: germline.
Comment: The c.1237dupG (p.E413Gfs*27) alteration, located in exon 8 (coding exon 7) of the SATB1 gene, consists of a duplication of G at position 1237, causing a translational frameshift with a predicted alternate stop codon after 27 amino acids. This alteration is expected to result in loss of function by premature protein truncation or nonsense-mediated mRNA decay. for SATB1-related neurodevelopmental disorder; however, its clinical significance for Kohlschutter-Tonz syndrome-like is uncertain. This variant was not reported in population-based cohorts in the Genome Aggregation Database (gnomAD). Based on the available evidence, this alteration is classified as pathogenic.